The following is an entry in ClinVar:

ClinVar aggregate classification (germline): Likely benign (0 of 4 stars; one submission).

Conditions:
SKI-related disorder. Also called: SKI-related condition.

Submission:

PreventionGenetics, part of Exact Sciences
Classification: Likely benign for SKI-related condition. Last evaluated: 2021-02-26. Review status: no assertion criteria provided. Collection method: clinical testing. Allele origin: germline.
Comment: This variant is classified as likely benign based on ACMG/AMP sequence variant interpretation guidelines (Richards et al. 2015 PMID: 25741868, with internal and published modifications).

NM_003036.4(SKI):c.2115G>T (p.Leu705=)

Gene: SKI (SKI proto-oncogene; plus strand). Cytogenetic location: 1p36.32.
Variant type: single nucleotide variant.
Coding change: c.2115G>T on transcript NM_003036.4 (MANE Select); coding-DNA position 2115, G replaced by T.
Protein change: p.Leu705=; no amino-acid change (leucine 705 retained).
Molecular consequence: synonymous variant.
Genome position (GRCh38, 1-based): chr1:2,306,693, G>T. VCF-style: chr1-2306693-G-T. GRCh37 (hg19) VCF-style: chr1-2238132-G-T.
Identifiers: ClinVar variation 3031309 (VCV003031309.2), dbSNP rs890619764, ClinGen allele CA415458991.